The following is an entry in ClinVar:

ClinVar aggregate classification (germline): Uncertain significance (1 of 4 stars; one submission).

Conditions:
Neurofibromatosis, type 1 (NF1). Also called: Peripheral type neurofibromatosis; VON RECKLINGHAUSEN DISEASE; Neurofibromatosis, type I; NEUROFIBROMATOSIS, TYPE I, SOMATIC. Identifiers: Orphanet 636, MedGen C0027831, MONDO:0018975, OMIM 162200. Disease mechanism: loss of function.

Submission:

Labcorp Genetics (formerly Invitae), Labcorp
Classification: Uncertain significance for Neurofibromatosis, type 1. Last evaluated: 2024-03-04. Review status: criteria provided, single submitter. Criteria: Invitae Variant Classification Sherloc (09022015). Collection method: clinical testing. Allele origin: germline.
Comment: This sequence change falls in intron 47 of the NF1 gene. It does not directly change the encoded amino acid sequence of the NF1 protein. It affects a nucleotide within the consensus splice site. This variant is not present in population databases (gnomAD no frequency). This variant has not been reported in the literature in individuals affected with NF1-related conditions. Variants that disrupt the consensus splice site are a relatively common cause of aberrant splicing (PMID: 17576681, 9536098). Algorithms developed to predict the effect of sequence changes on RNA splicing suggest that this variant is not likely to affect RNA splicing. In summary, the available evidence is currently insufficient to determine the role of this variant in disease. Therefore, it has been classified as a Variant of Uncertain Significance.

Literature cited by the submitters: PubMed 17576681; PubMed 9536098.

NM_001042492.3(NF1):c.7189+6A>G

Gene: NF1 (neurofibromin 1; plus strand). Cytogenetic location: 17q11.2.
Variant type: single nucleotide variant.
Coding change: c.7189+6A>G on transcript NM_001042492.3 (MANE Select); 6 bases into the intron after coding-DNA position 7189, A replaced by G.
Molecular consequence: intron variant.
Genome position (GRCh38, 1-based): chr17:31,343,141, A>G. VCF-style: chr17-31343141-A-G. GRCh37 (hg19) VCF-style: chr17-29670159-A-G.
Other names: c.7126+6A>G (NM_000267.4).
Identifiers: ClinVar variation 3644435 (VCV003644435.2).